The following is an entry in ClinVar:

NM_001271.4(CHD2):c.3229A>G (p.Thr1077Ala)

Gene: CHD2 (chromodomain helicase DNA binding protein 2; plus strand). Cytogenetic location: 15q26.1.
Variant type: single nucleotide variant.
Coding change: c.3229A>G on transcript NM_001271.4 (MANE Select); coding-DNA position 3229, A replaced by G.
Protein change: p.Thr1077Ala; replaces threonine 1077 with alanine.
Molecular consequence: missense variant.
Genome position (GRCh38, 1-based): chr15:92,984,492, A>G. VCF-style: chr15-92984492-A-G. GRCh37 (hg19) VCF-style: chr15-93527722-A-G.
Other names: short protein forms T1077A.
Identifiers: ClinVar variation 3625174 (VCV003625174.2).

ClinVar aggregate classification (germline): Uncertain significance (1 of 4 stars; one submission).

Conditions:
Developmental and epileptic encephalopathy 94 (DEE94). Also called: CHD2-Related Neurodevelopmental Disorders; Epileptic encephalopathy, childhood-onset. Identifiers: Orphanet 1942, Orphanet 2382, MedGen C3809278, MONDO:0014150, OMIM 615369.

gnomAD v4.1: 1 of 1,609,752 alleles (0.000062%); highest among the groups gnomAD compares: Admixed American, 0.0017%; no homozygotes.

Submission:

Labcorp Genetics (formerly Invitae), Labcorp
Classification: Uncertain significance for Developmental and epileptic encephalopathy 94. Last evaluated: 2024-09-08. Review status: criteria provided, single submitter. Criteria: Invitae Variant Classification Sherloc (09022015). Collection method: clinical testing. Allele origin: germline.
Comment: This sequence change replaces threonine, which is neutral and polar, with alanine, which is neutral and non-polar, at codon 1077 of the CHD2 protein (p.Thr1077Ala). The frequency data for this variant in the population databases is considered unreliable, as metrics indicate poor data quality at this position in the gnomAD database. This variant has not been reported in the literature in individuals affected with CHD2-related conditions. Invitae Evidence Modeling of protein sequence and biophysical properties (such as structural, functional, and spatial information, amino acid conservation, physicochemical variation, residue mobility, and thermodynamic stability) indicates that this missense variant is not expected to disrupt CHD2 protein function with a negative predictive value of 95%. In summary, the available evidence is currently insufficient to determine the role of this variant in disease. Therefore, it has been classified as a Variant of Uncertain Significance.